The following is an entry in ClinVar:

ClinVar aggregate classification (germline): Uncertain significance. Review status: criteria provided, multiple submitters, no conflicts (2 of 4 stars). 2 submissions from 2 submitters: Uncertain significance (2). Last evaluated 2025-03-26.

Conditions:
Hereditary cancer-predisposing syndrome. Also called: Tumor predisposition; Hereditary neoplastic syndrome; Hereditary Cancer Syndrome; Neoplastic Syndromes, Hereditary. Identifiers: Orphanet 140162, MedGen C0027672, MeSH D009386, MONDO:0015356.
Familial cancer of breast. Also called: BREAST CANCER, FAMILIAL; Hereditary breast cancer; hereditary breast carcinoma. Identifiers: Orphanet 227535, MedGen C0346153, MONDO:0016419, OMIM 114480. Disease mechanism: loss of function.

Submissions (2):

Ambry Genetics
Classification: Uncertain significance for Hereditary cancer-predisposing syndrome. Last evaluated: 2025-03-26. Review status: criteria provided, single submitter. Criteria: Ambry Variant Classification Scheme 2023. Collection method: clinical testing. Allele origin: germline.
Comment: The p.K475N variant (also known as c.1425G>C), located in coding exon 6 of the BARD1 gene, results from a G to C substitution at nucleotide position 1425. The lysine at codon 475 is replaced by asparagine, an amino acid with similar properties. This amino acid position is conserved. In addition, this alteration is predicted to be tolerated by in silico analysis. Based on the available evidence, the clinical significance of this variant remains unclear.

Labcorp Genetics (formerly Invitae), Labcorp
Classification: Uncertain significance for Familial cancer of breast. Last evaluated: 2023-06-25. Review status: criteria provided, single submitter. Criteria: Invitae Variant Classification Sherloc (09022015). Collection method: clinical testing. Allele origin: germline.
Comment: In summary, the available evidence is currently insufficient to determine the role of this variant in disease. Therefore, it has been classified as a Variant of Uncertain Significance. An algorithm developed to predict the effect of missense changes on protein structure and function (PolyPhen-2) suggests that this variant is likely to be disruptive. This variant has not been reported in the literature in individuals affected with BARD1-related conditions. This variant is not present in population databases (gnomAD no frequency). This sequence change replaces lysine, which is basic and polar, with asparagine, which is neutral and polar, at codon 475 of the BARD1 protein (p.Lys475Asn).

NM_000465.4(BARD1):c.1425G>C (p.Lys475Asn)

Gene: BARD1 (BRCA1 associated RING domain 1; minus strand). Cytogenetic location: 2q35.
Variant type: single nucleotide variant.
Coding change: c.1425G>C on transcript NM_000465.4 (MANE Select); coding-DNA position 1425, G replaced by C.
Protein change: p.Lys475Asn; replaces lysine 475 with asparagine.
Molecular consequence: missense variant. On other transcripts: non-coding transcript variant (3), intron variant (3).
Genome position (GRCh38, 1-based): chr2:214,767,625, C>G on the plus strand (G>C on the coding strand, the complement: BARD1 is on the minus strand). VCF-style: chr2-214767625-C-G. GRCh37 (hg19) VCF-style: chr2-215632349-C-G.
Other names: c.1425G>C (NM_000465.2); c.1368G>C, p.Lys456Asn (NM_001282543.2); c.159-15070G>C (NM_001282548.2); c.216-15070G>C (NM_001282545.2); c.364+24672G>C (NM_001282549.2); short protein forms K456N, K475N.
Identifiers: ClinVar variation 2984352 (VCV002984352.4), dbSNP rs1057522431, ClinGen allele CA350448664.